The following is an entry in ClinVar:

ClinVar aggregate classification (germline): Uncertain significance (1 of 4 stars; one submission).

Conditions:
Dyskeratosis congenita. Identifiers: Orphanet 1775, MedGen C0265965, MONDO:0015780.

Submission:

Labcorp Genetics (formerly Invitae), Labcorp
Classification: Uncertain significance for Dyskeratosis congenita. Last evaluated: 2023-03-31. Review status: criteria provided, single submitter. Criteria: Invitae Variant Classification Sherloc (09022015). Collection method: clinical testing. Allele origin: germline.
Comment: In summary, the available evidence is currently insufficient to determine the role of this variant in disease. Therefore, it has been classified as a Variant of Uncertain Significance. Advanced modeling of protein sequence and biophysical properties (such as structural, functional, and spatial information, amino acid conservation, physicochemical variation, residue mobility, and thermodynamic stability) performed at Invitae indicates that this missense variant is expected to disrupt CTC1 protein function. This variant has not been reported in the literature in individuals affected with CTC1-related conditions. This variant is not present in population databases (gnomAD no frequency). This sequence change replaces glutamic acid, which is acidic and polar, with lysine, which is basic and polar, at codon 973 of the CTC1 protein (p.Glu973Lys).

NM_025099.6(CTC1):c.2917G>A (p.Glu973Lys)

Gene: CTC1 (CST telomere replication complex component 1; minus strand). Cytogenetic location: 17p13.1.
Variant type: single nucleotide variant.
Coding change: c.2917G>A on transcript NM_025099.6 (MANE Select); coding-DNA position 2917, G replaced by A.
Protein change: p.Glu973Lys; replaces glutamic acid 973 with lysine.
Molecular consequence: missense variant. On other transcripts: non-coding transcript variant (1).
Genome position (GRCh38, 1-based): chr17:8,230,310, C>T on the plus strand (G>A on the coding strand, the complement: CTC1 is on the minus strand). VCF-style: chr17-8230310-C-T. GRCh37 (hg19) VCF-style: chr17-8133628-C-T.
Other names: c.2917G>A, p.Glu973Lys (NM_001411067.1); short protein forms E973K.
Identifiers: ClinVar variation 2785837 (VCV002785837.3), dbSNP rs2507880594, ClinGen allele CA397973672.